The following is an entry in ClinVar:

NM_014225.6(PPP2R1A):c.553G>T (p.Ala185Ser)

Gene: PPP2R1A (protein phosphatase 2 scaffold subunit Aalpha; plus strand). Cytogenetic location: 19q13.41.
Variant type: single nucleotide variant.
Coding change: c.553G>T on transcript NM_014225.6 (MANE Select); coding-DNA position 553, G replaced by T.
Protein change: p.Ala185Ser; replaces alanine 185 with serine.
Molecular consequence: missense variant. On other transcripts: non-coding transcript variant (1).
Genome position (GRCh38, 1-based): chr19:52,212,735, G>T. VCF-style: chr19-52212735-G-T. GRCh37 (hg19) VCF-style: chr19-52715988-G-T.
Other names: c.16G>T, p.Ala6Ser (NM_001363656.2); short protein forms A6S, A185S.
Identifiers: ClinVar variation 1508700 (VCV001508700.8), dbSNP rs1348762266, ClinGen allele CA407183592.

ClinVar aggregate classification (germline): Uncertain significance (1 of 4 stars; one submission).

Submission:

Labcorp Genetics (formerly Invitae), Labcorp
Classification: Uncertain significance. Last evaluated: 2021-07-02. Review status: criteria provided, single submitter. Criteria: Invitae Variant Classification Sherloc (09022015). Collection method: clinical testing. Allele origin: germline.
Comment: This variant has not been reported in the literature in individuals affected with PPP2R1A-related conditions. This variant is not present in population databases (ExAC no frequency). This sequence change replaces alanine with serine at codon 185 of the PPP2R1A protein (p.Ala185Ser). The alanine residue is highly conserved and there is a moderate physicochemical difference between alanine and serine. Algorithms developed to predict the effect of missense changes on protein structure and function are either unavailable or do not agree on the potential impact of this missense change (SIFT: "Tolerated"; PolyPhen-2: "Probably Damaging"; Align-GVGD: "Class C15"). In summary, the available evidence is currently insufficient to determine the role of this variant in disease. Therefore, it has been classified as a Variant of Uncertain Significance.